The following is an entry in ClinVar:

NM_004415.4(DSP):c.4879A>G (p.Lys1627Glu)

Gene: DSP (desmoplakin; plus strand). Cytogenetic location: 6p24.3.
Variant type: single nucleotide variant.
Coding change: c.4879A>G on transcript NM_004415.4 (MANE Select); coding-DNA position 4879, A replaced by G.
Protein change: p.Lys1627Glu; replaces lysine 1627 with glutamic acid.
Molecular consequence: missense variant. On other transcripts: intron variant (2).
Genome position (GRCh38, 1-based): chr6:7,581,069, A>G. VCF-style: chr6-7581069-A-G. GRCh37 (hg19) VCF-style: chr6-7581302-A-G.
Other names: c.4050+829A>G (NM_001319034.2); c.3582+1297A>G (NM_001008844.3); short protein forms K1627E.
Identifiers: ClinVar variation 1171716 (VCV001171716.3), dbSNP rs774563557, ClinGen allele CA043212.

ClinVar aggregate classification (germline): Uncertain significance (1 of 4 stars; one submission).

Conditions:
Cardiomyopathy (CMYO). Also called: Cardiomyopathies. Identifiers: Orphanet 167848, MedGen C0878544, MONDO:0004994, HP:0001638. Inheritance: Various modes of inheritance.

Allele frequency attached by ClinVar (database versions not stated): gnomAD exomes below 0.00001; ExAC 0.00001.
gnomAD v4.1: 2 of 1,614,056 alleles (0.00012%); highest among the groups gnomAD compares: South Asian, 0.0022%; no homozygotes.

Submission:

Color Diagnostics, LLC DBA Color Health
Classification: Uncertain significance for Cardiomyopathy. Last evaluated: 2024-03-07. Review status: criteria provided, single submitter. Criteria: ACMG Guidelines, 2015. Collection method: clinical testing. Allele origin: germline.
Comment: This missense variant replaces lysine with glutamic acid at codon 1627 of the DSP protein. Computational prediction suggests that this variant may not impact protein structure and function (internally defined REVEL score threshold <= 0.5, PMID: 27666373). To our knowledge, functional studies have not been reported for this variant. This variant has not been reported in individuals affected with cardiovascular disorders in the literature. This variant has been identified in 1/249478 chromosomes in the general population by the Genome Aggregation Database (gnomAD). The available evidence is insufficient to determine the role of this variant in disease conclusively. Therefore, this variant is classified as a Variant of Uncertain Significance.